The following is an entry in ClinVar:

NM_139215.3(TAF15):c.1359T>C (p.Gly453=)

Gene: TAF15 (TATA-box binding protein associated factor 15; plus strand). Cytogenetic location: 17q12.
Variant type: single nucleotide variant.
Coding change: c.1359T>C on transcript NM_139215.3 (MANE Select); coding-DNA position 1359, T replaced by C.
Protein change: p.Gly453=; no amino-acid change (glycine 453 retained).
Molecular consequence: synonymous variant.
Genome position (GRCh38, 1-based): chr17:35,844,658, T>C. VCF-style: chr17-35844658-T-C. GRCh37 (hg19) VCF-style: chr17-34171662-T-C.
Other names: c.1350T>C, p.Gly450= (NM_003487.4).
Identifiers: ClinVar variation 786315 (VCV000786315.10), dbSNP rs1301559653, ClinGen allele CA728397271.

ClinVar aggregate classification (germline): Benign/Likely benign. Review status: criteria provided, multiple submitters, no conflicts (2 of 4 stars). 4 submissions from 4 submitters: Benign (2); Likely benign (1). 1 of the submissions does not count toward it. Last evaluated 2026-02-01.

Conditions:
TAF15-related disorder. Also called: TAF15-related condition.

Allele frequency attached by ClinVar (database versions not stated): gnomAD exomes 0.00022 and 0.00032; ExAC 0.00037; gnomAD 0.00197.
gnomAD v4.1: 463 of 1,388,886 alleles (0.033%); highest among the groups gnomAD compares: African/African-American, 0.51%; 1 homozygote.

Submissions (4):

CeGaT Center for Human Genetics Tuebingen
Classification: Likely benign. Last evaluated: 2026-02-01. Review status: criteria provided, single submitter. Criteria: CeGaT Center For Human Genetics Tuebingen Variant Classification Criteria Version 2. Collection method: clinical testing. Allele origin: germline. Affected: yes. Observed: 1 variant allele.
Comment: TAF15: BP4, BP7

GeneDx
Classification: Benign. Last evaluated: 2020-12-21. Review status: criteria provided, single submitter. Criteria: GeneDx Variant Classification Process June 2021. Collection method: clinical testing. Allele origin: germline. Affected: yes.

Labcorp Genetics (formerly Invitae), Labcorp
Classification: Benign. Last evaluated: 2018-08-08. Review status: criteria provided, single submitter. Criteria: Invitae Variant Classification Sherloc (09022015). Collection method: clinical testing. Allele origin: germline.

PreventionGenetics, part of Exact Sciences
Classification: Likely benign for TAF15-related condition. Last evaluated: 2023-02-08. Review status: no assertion criteria provided. Collection method: clinical testing. Allele origin: germline. Not counted in ClinVar's aggregate classification.
Comment: This variant is classified as likely benign based on ACMG/AMP sequence variant interpretation guidelines (Richards et al. 2015 PMID: 25741868, with internal and published modifications).